The following is an entry in ClinVar:

NM_000051.4(ATM):c.3604G>C (p.Gly1202Arg)

Gene: ATM (ATM serine/threonine kinase; plus strand). Cytogenetic location: 11q22.3.
Variant type: single nucleotide variant.
Coding change: c.3604G>C on transcript NM_000051.4 (MANE Select); coding-DNA position 3604, G replaced by C.
Protein change: p.Gly1202Arg; replaces glycine 1202 with arginine.
Molecular consequence: missense variant.
Genome position (GRCh38, 1-based): chr11:108,282,737, G>C. VCF-style: chr11-108282737-G-C. GRCh37 (hg19) VCF-style: chr11-108153464-G-C.
Other names: c.3604G>C, p.Gly1202Arg (NM_001351834.2); short protein forms G1202R.
Identifiers: ClinVar variation 1717215 (VCV001717215.5), dbSNP rs536110861, ClinGen allele CA382522717.

ClinVar aggregate classification (germline): Uncertain significance (1 of 4 stars; one submission).

Conditions:
Ataxia-telangiectasia syndrome (AT). Also called: Cerebello-oculocutaneous telangiectasia; ATAXIA-TELANGIECTASIA, COMPLEMENTATION GROUP A; ATAXIA-TELANGIECTASIA, FRESNO VARIANT; Ataxia-telangiectasia, complementation group D; AT, COMPLEMENTATION GROUP C; Immunodeficiency with ataxia telangiectasia. Identifiers: Orphanet 100, MedGen C0004135, MONDO:0008840, OMIM 208900.

Submission:

Labcorp Genetics (formerly Invitae), Labcorp
Classification: Uncertain significance for Ataxia-telangiectasia syndrome. Last evaluated: 2022-08-20. Review status: criteria provided, single submitter. Criteria: Invitae Variant Classification Sherloc (09022015). Collection method: clinical testing. Allele origin: germline.
Comment: In summary, the available evidence is currently insufficient to determine the role of this variant in disease. Therefore, it has been classified as a Variant of Uncertain Significance. Advanced modeling of protein sequence and biophysical properties (such as structural, functional, and spatial information, amino acid conservation, physicochemical variation, residue mobility, and thermodynamic stability) performed at Invitae indicates that this missense variant is not expected to disrupt ATM protein function. This variant has not been reported in the literature in individuals affected with ATM-related conditions. This variant is not present in population databases (gnomAD no frequency). This sequence change replaces glycine, which is neutral and non-polar, with arginine, which is basic and polar, at codon 1202 of the ATM protein (p.Gly1202Arg).